The following is an entry in ClinVar:

NM_152564.5(VPS13B):c.9331_9332insTTTTTTTTTTTTTTTTT (p.Tyr3111fs)

Gene: VPS13B (vacuolar protein sorting 13 homolog B; plus strand). Cytogenetic location: 8q22.2.
Variant type: Insertion.
Coding change: c.9331_9332insTTTTTTTTTTTTTTTTT on transcript NM_152564.5 (MANE Select); coding-DNA positions 9331 to 9332, TTTTTTTTTTTTTTTTT inserted.
Protein change: p.Tyr3111fs; shifts the reading frame from tyrosine 3111.
Molecular consequence: frameshift variant.
Genome position: GRCh38 VCF-style: chr8-99832368-G-GTTTTTTTTTTTTTTTTT. GRCh37 (hg19) VCF-style: chr8-100844596-G-GTTTTTTTTTTTTTTTTT.
Other names: c.9406_9407insTTTTTTTTTTTTTTTTT, p.Tyr3136fs (NM_017890.5); short protein forms Y3111fs, Y3136fs.
Identifiers: ClinVar variation 4820018 (VCV004820018.1).

ClinVar aggregate classification (germline): Pathogenic (1 of 4 stars; one submission).

Conditions:
Fetal anomalies with a likely genetic cause.

Submission:

Genetics Laboratory, Great Ormond Street Hospital NHS Foundation Trust, North Thames Genomic Laboratory Hub
Classification: Pathogenic for Fetal anomalies with a likely genetic cause. Last evaluated: 2026-02-12. Review status: criteria provided, single submitter. Criteria: ACGS Best Practice Guidelines for Variant Classification in Rare Disease 2024 v1.2. Collection method: clinical testing. Allele origin: germline. Affected: yes.
Comment: PM2_moderate, PVS1_very-strong